The following is an entry in ClinVar:

NM_001286.5(CLCN6):c.1375A>G (p.Thr459Ala)

Gene: CLCN6 (chloride voltage-gated channel 6; plus strand). Cytogenetic location: 1p36.22.
Variant type: single nucleotide variant.
Coding change: c.1375A>G on transcript NM_001286.5 (MANE Select); coding-DNA position 1375, A replaced by G.
Protein change: p.Thr459Ala; replaces threonine 459 with alanine.
Molecular consequence: missense variant. On other transcripts: non-coding transcript variant (1).
Genome position (GRCh38, 1-based): chr1:11,833,879, A>G. VCF-style: chr1-11833879-A-G. GRCh37 (hg19) VCF-style: chr1-11893936-A-G.
Other names: c.1309A>G, p.Thr437Ala (NM_001256959.2); c.1375A>G (NM_001286.2); short protein forms T437A, T459A.
Identifiers: ClinVar variation 1984862 (VCV001984862.5), dbSNP rs773472768, ClinGen allele CA596463.

ClinVar aggregate classification (germline): Uncertain significance. Review status: criteria provided, multiple submitters, no conflicts (2 of 4 stars). 2 submissions from 2 submitters: Uncertain significance (2). Last evaluated 2025-06-27.

Allele frequency attached by ClinVar (database versions not stated): gnomAD 0.00002; TOPMed 0.00002.
gnomAD v4.1: 11 of 1,608,728 alleles (0.00068%); highest among the groups gnomAD compares: Admixed American, 0.0068%; no homozygotes.

Submissions (2):

Labcorp Genetics (formerly Invitae), Labcorp
Classification: Uncertain significance. Last evaluated: 2025-06-27. Review status: criteria provided, single submitter. Criteria: Invitae Variant Classification Sherloc (09022015). Collection method: clinical testing. Allele origin: germline.
Comment: This sequence change replaces threonine, which is neutral and polar, with alanine, which is neutral and non-polar, at codon 459 of the CLCN6 protein (p.Thr459Ala). This variant is present in population databases (rs773472768, gnomAD 0.006%). This variant has not been reported in the literature in individuals affected with CLCN6-related conditions. ClinVar contains an entry for this variant (Variation ID: 1984862). An algorithm developed to predict the effect of missense changes on protein structure and function (PolyPhen-2) suggests that this variant is likely to be tolerated. In summary, the available evidence is currently insufficient to determine the role of this variant in disease. Therefore, it has been classified as a Variant of Uncertain Significance.

Ambry Genetics
Classification: Uncertain significance. Last evaluated: 2023-11-03. Review status: criteria provided, single submitter. Criteria: Ambry Variant Classification Scheme 2023. Collection method: clinical testing. Allele origin: germline.